The following is an entry in ClinVar:

ClinVar aggregate classification (germline): Uncertain significance (1 of 4 stars; one submission).

Allele frequency attached by ClinVar (database versions not stated): gnomAD exomes below 0.00001 and 0.00001; TOPMed below 0.00001; gnomAD 0.00001.
gnomAD v4.1: 4 of 1,180,387 alleles (0.00034%); highest among the groups gnomAD compares: East Asian, 0.0062%; no homozygotes.

Submission:

GeneDx
Classification: Uncertain significance. Last evaluated: 2017-08-03. Review status: criteria provided, single submitter. Criteria: GeneDx Variant Classification (06012015). Collection method: clinical testing. Allele origin: germline. Affected: yes.
Comment: The S990N variant in the PHF8 gene has not been reported previously as a pathogenic variant, nor as a benign variant, to our knowledge. The S990N variant is not observed in large population cohorts (Lek et al., 2016; 1000 Genomes Consortium et al., 2015; Exome Variant Server). The S990N variant is a conservative amino acid substitution, which is not likely to impact secondary protein structure as these residues share similar properties. This substitution occurs at a position that is not conserved across species. In silico analysis is inconsistent in its predictions as to whether or not the variant is damaging to the protein structure/function. We interpret S990N as a variant of uncertain significance.

NM_015107.3(PHF8):c.2969G>A (p.Ser990Asn)

Gene: PHF8 (PHD finger protein 8; minus strand). Cytogenetic location: Xp11.22.
Variant type: single nucleotide variant.
Coding change: c.2969G>A on transcript NM_015107.3 (MANE Select); coding-DNA position 2969, G replaced by A.
Protein change: p.Ser990Asn; replaces serine 990 with asparagine.
Molecular consequence: missense variant.
Genome position (GRCh38, 1-based): chrX:53,940,197, C>T on the plus strand (G>A on the coding strand, the complement: PHF8 is on the minus strand). VCF-style: chrX-53940197-C-T. GRCh37 (hg19) VCF-style: chrX-53966630-C-T.
Other names: c.3077G>A, p.Ser1026Asn (NM_001184896.1); c.2666G>A, p.Ser889Asn (NM_001184897.2); short protein forms S990N, S1026N, S889N.
Identifiers: ClinVar variation 451072 (VCV000451072.2), dbSNP rs1405281149, ClinGen allele CA413240640.
Genomic context (GRCh38, chrX:53,940,197, plus strand): 5'-GGCTCTAAGATCCTTCGGTTCTACAACCATATGGCCGTTGTACCTTGTCCTGCCTGATTG[C>T]TCTGGGAGCCAACTGAAGGGCGCCGCTGGGTCAAGAAGACACCGGGGGCCATAGGTGTGG-3'
Protein context (NP_055922.1, residues 980-1000): TQRRPSVGSQ[Ser990Asn]NQAGQGKRPK